The following is an entry in ClinVar:

NM_000256.3(MYBPC3):c.3005G>A (p.Arg1002Gln)

Gene: MYBPC3 (myosin binding protein C3; minus strand). Cytogenetic location: 11p11.2.
Variant type: single nucleotide variant.
Coding change: c.3005G>A on transcript NM_000256.3 (MANE Select); coding-DNA position 3005, G replaced by A.
Protein change: p.Arg1002Gln; replaces arginine 1002 with glutamine.
Molecular consequence: missense variant.
Genome position (GRCh38, 1-based): chr11:47,333,742, C>T on the plus strand (G>A on the coding strand, the complement: MYBPC3 is on the minus strand). VCF-style: chr11-47333742-C-T. GRCh37 (hg19) VCF-style: chr11-47355293-C-T.
Other names: p.R1002Q:CGG>CAG; short protein forms R1002Q.
Identifiers: ClinVar variation 177622 (VCV000177622.34), dbSNP rs727504235, ClinGen allele CA013325.
Genomic context (GRCh38, chr11:47,333,742, plus strand): 5'-CGGATGCTCACCTCCTCGCCTGCCAGGGGCTGCCCCTCTTTGGTCCAGGTCACCTGAGGC[C>T]GGGGCTTGCCCTGAGGGGAGGAAAAGCTTAACCCTGAACCTGGATCACTCCAAGGGCCGG-3'
Protein context (NP_000247.2, residues 992-1012): NLLIPFQGKP[Arg1002Gln]PQVTWTKEGQ

ClinVar aggregate classification (germline): Conflicting classifications of pathogenicity. Review status: criteria provided, conflicting classifications (1 of 4 stars). 12 submissions from 12 submitters: Uncertain significance (11); Likely benign (1). Last evaluated 2026-01-14.

Conditions:
MYBPC3-related disorder. Also called: MYBPC3-related disorders; MYBPC3-related condition; MYBPC3-related disease.
Cardiovascular phenotype. Identifiers: MedGen CN230736.
Hypertrophic cardiomyopathy 4. Also called: Familial hypertrophic cardiomyopathy 4. Identifiers: MedGen C1861862, MONDO:0007268, OMIM 115197.
Left ventricular noncompaction 10 (LVNC10). Identifiers: Orphanet 154, Orphanet 54260, MedGen C3715165, MONDO:0014163, OMIM 615396.
Cardiomyopathy (CMYO). Also called: Cardiomyopathies. Identifiers: Orphanet 167848, MedGen C0878544, MONDO:0004994, HP:0001638. Inheritance: Various modes of inheritance.
Hypertrophic cardiomyopathy. Also called: HYPERTROPHIC MYOCARDIOPATHY. Identifiers: Orphanet 217569, MedGen C0007194, MeSH D002312, MONDO:0005045, HP:0001639.

Allele frequency attached by ClinVar (database versions not stated): TOPMed 0.00003; gnomAD 0.00004; ExAC 0.00005; gnomAD exomes 0.00006 and 0.00008.
gnomAD v4.1: 129 of 1,599,466 alleles (0.0081%); highest among the groups gnomAD compares: Non-Finnish European, 0.0099%; no homozygotes.

Submissions 1 to 8 of 12:

Labcorp Genetics (formerly Invitae), Labcorp
Classification: Uncertain significance for Hypertrophic cardiomyopathy. Last evaluated: 2026-01-14. Review status: criteria provided, single submitter. Criteria: Invitae Variant Classification Sherloc (09022015). Collection method: clinical testing. Allele origin: germline.
Comment: This sequence change replaces arginine, which is basic and polar, with glutamine, which is neutral and polar, at codon 1002 of the MYBPC3 protein (p.Arg1002Gln). This variant is present in population databases (rs727504235, gnomAD 0.01%). This missense change has been observed in individual(s) with clinical features of MYBPC3-related conditions (PMID: 11815426, 27532257, 28790153, 28807990, 29030401, 33673806, 33782553, 37652022). ClinVar contains an entry for this variant (Variation ID: 177622). An algorithm developed to predict the effect of missense changes on protein structure and function (PolyPhen-2) suggests that this variant is likely to be disruptive. In summary, the available evidence is currently insufficient to determine the role of this variant in disease. Therefore, it has been classified as a Variant of Uncertain Significance.

Molecular Diagnostic Laboratory for Inherited Cardiovascular Disease, Montreal Heart Institute
Classification: Uncertain significance for Cardiovascular phenotype. Last evaluated: 2025-04-09. Review status: criteria provided, single submitter. Criteria: ACMG Guidelines, 2015. Collection method: clinical testing. Allele origin: germline. Affected: yes.

PreventionGenetics, part of Exact Sciences
Classification: Uncertain significance for MYBPC3-related condition. Last evaluated: 2025-04-04. Review status: criteria provided, single submitter. Criteria: ACMG Guidelines, 2015. Collection method: clinical testing. Allele origin: germline.
Comment: The MYBPC3 c.3005G>A variant is predicted to result in the amino acid substitution p.Arg1002Gln. This variant has been reported in several individuals with hypertrophic cardiomyopathy (see, for example, Niimura et al. 2002. PubMed ID: 11815426; Table S1A, Walsh et al. 2016. PubMed ID: 27532257; Table S8, McGurk et al. 2023. PubMed ID: 37652022). It has also been reported in at least one individual with dilated cardiomyopathy (Table S1B, Walsh et al. 2016. PubMed ID: 27532257) and in at least one infant with sudden unexpected death (Dewar et al. 2017. PubMed ID: 28807990). In the majority of these individuals, the pathogenicity of the variant remained uncertain. This variant is reported in 0.012% of alleles in individuals of Latino descent in gnomAD. At this time, the clinical significance of this variant is uncertain due to the absence of conclusive functional and genetic evidence.

Victorian Clinical Genetics Services, Murdoch Childrens Research Institute
Classification: Uncertain significance for Hypertrophic cardiomyopathy 4. Last evaluated: 2024-09-19. Review status: criteria provided, single submitter. Criteria: ACMG Guidelines, 2015. Collection method: clinical testing. Allele origin: germline. Affected: yes.
Comment: Based on the classification scheme VCGS_Germline_v1.3.4, this variant is classified as VUS-3C. Following criteria are met: 0102 - Loss of function is a known mechanism of disease in this gene and is associated with hypertrophic cardiomyopathy 4 (HCM; MIM#115197). (I) 0108 - This gene is associated with both recessive and dominant disease. Dominant inheritance is frequently reported in adult onset conditions and recessive inheritance results in a more severe early onset phenotype (OMIM). (I) 0115 - Variants in this gene are known to have variable expressivity (PMID: 32841044). (I) 0200 - Variant is predicted to result in a missense amino acid change from arginine to glutamine. (I) 0251 - This variant is heterozygous. (I) 0304 - Variant is present in gnomAD (v2 and v3) <0.01 (19 heterozygotes, 0 homozygotes). (SP) 0309 - Multiple alternative amino acid changes at the same position have been observed in gnomAD (v3) (highest allele count: 286 heterozygotes, 2 homozygotes). (I) 0502 - Missense variant with conflicting in silico predictions and uninformative conservation. (I) 0600 - Variant is located in the annotated immunoglobulin i-set domain (DECIPHER). (I) 0709 - Another missense variant comparable to the one identified in this case has strong previous evidence for being benign. A comparable variant, p.(Arg1002Trp), has been reported 12 times as likely benign/benign in ClinVar. (SB) 0809 - Previous evidence of pathogenicity for this variant is inconclusive. This variant has been reported multiple times as VUS in heterozygous patients with HCM. There have also been limited reports of this variant classified as VUS in patients with DCM and sudden unexplained death (ClinVar,, PMIDs: 11815426, 28790153, 28807990, 29030401). (I) 1208 - Inheritance information for this variant is not currently available in this individual. (I) Legend: (SP) - Supporting pathogenic, (I) - Information, (SB) - Supporting benign

All of Us Research Program, National Institutes of Health
Classification: Uncertain significance for Hypertrophic cardiomyopathy. Last evaluated: 2024-08-30. Review status: criteria provided, single submitter. Criteria: ACMG Guidelines, 2015. Collection method: clinical testing. Allele origin: germline. Inheritance: Autosomal dominant inheritance. Observed: 31 variant alleles, 31 heterozygotes.
Comment: This missense variant replaces arginine with glutamine at codon 1002 of the MYBPC3 protein. Computational prediction tools indicate that this variant has a neutral impact on protein structure and function. To our knowledge, functional studies have not been performed for this variant. This variant has been reported in at least four individuals affected with hypertrophic cardiomyopathy (PMID: 11815426, 28790153, 27532257, 32841044, 33495597, 33673806, 33782553; Burns 2019, dissertation, University of Sydney) and in one infant affected with sudden death (PMID: 28807990). This variant has also been identified in 16/267108 chromosomes in the general population by the Genome Aggregation Database (gnomAD). The available evidence is insufficient to determine the role of this variant in disease conclusively. Therefore, this variant is classified as a Variant of Uncertain Significance.

This study involves interpretation of variants in research participants for the purpose of population health screening. Participant phenotype was not available at the time of variant classification. Additional details can be found in publication PMID: 35346344, PMCID: PMC8962531

Ambry Genetics
Classification: Uncertain significance for Cardiovascular phenotype. Last evaluated: 2024-08-02. Review status: criteria provided, single submitter. Criteria: Ambry Variant Classification Scheme 2023. Collection method: clinical testing. Allele origin: germline.
Comment: The p.R1002Q variant (also known as c.3005G>A), located in coding exon 29 of the MYBPC3 gene, results from a G to A substitution at nucleotide position 3005. The arginine at codon 1002 is replaced by glutamine, an amino acid with highly similar properties. This alteration has been detected in hypertrophic cardiomyopathy (HCM), dilated cardiomyopathy (DCM) and sudden unexplained death (SUD) cohorts; however, clinical details are limited (Niimura H et al. Circulation, 2002 Jan;105:446-51; Burns C et al. Circ Cardiovasc Genet, 2017 Aug;10; Dewar LJ et al. Circ Cardiovasc Genet, 2017 Aug;10; Ho CY et al. Circ Cardiovasc Genet, 2009 Aug;2:314-21; Coppini R et al. J. Am. Coll. Cardiol., 2014 Dec;64:2589-2600; Cirino AL et al. Circ Cardiovasc Genet, 2017 Oct;10; Walsh R et al. Genet. Med., 2017 02;19:192-203; Oakley CE et al. Cell Res., 2004 Apr;14:95-110). This amino acid position is highly conserved in available vertebrate species. In addition, this alteration is predicted to be deleterious by in silico analysis. Based on the available evidence, the clinical significance of this variant remains unclear.

Fulgent Genetics
Classification: Uncertain significance for Hypertrophic cardiomyopathy 4; Left ventricular noncompaction 10. Last evaluated: 2024-04-30. Review status: criteria provided, single submitter. Criteria: ACMG Guidelines, 2015. Collection method: clinical testing. Allele origin: germline.

Blueprint Genetics
Classification: Likely benign. Last evaluated: 2024-04-10. Review status: criteria provided, single submitter. Criteria: ACMG Guidelines, 2015. Collection method: clinical testing. Allele origin: germline.